The following is an entry in ClinVar:

NM_022765.4(MICAL1):c.256A>G (p.Lys86Glu)

Gene: MICAL1 (microtubule associated monooxygenase, calponin and LIM domain containing 1; minus strand). Cytogenetic location: 6q21.
Variant type: single nucleotide variant.
Coding change: c.256A>G on transcript NM_022765.4 (MANE Select); coding-DNA position 256, A replaced by G.
Protein change: p.Lys86Glu; replaces lysine 86 with glutamic acid.
Molecular consequence: missense variant.
Genome position (GRCh38, 1-based): chr6:109,453,941, T>C on the plus strand (A>G on the coding strand, the complement: MICAL1 is on the minus strand). VCF-style: chr6-109453941-T-C. GRCh37 (hg19) VCF-style: chr6-109775144-T-C.
Other names: c.256A>G, p.Lys86Glu (NM_001159291.2); c.313A>G, p.Lys105Glu (NM_001286613.2); short protein forms K105E, K86E.
Identifiers: ClinVar variation 1945175 (VCV001945175.5), dbSNP rs369162425, ClinGen allele CA3953857.
Genomic context (GRCh38, chr6:109,453,941, plus strand): 5'-TGTCCGTCCTCTGACTCCCCGCATGCTCCACACCCCATCCCAGGCACCGTGTATCCACCT[T>C]GGTGCTGGTGCAGGCCCGGCCCTGCTGGTAGACAGGCTGGCCTGCTCGCTTGTCCAGCTT-3'
Protein context (NP_073602.3, residues 76-96): YQQGRACTST[Lys86Glu]CLVVGAGPCG

ClinVar aggregate classification (germline): Uncertain significance (1 of 4 stars; one submission).

Allele frequency attached by ClinVar (database versions not stated): gnomAD exomes below 0.00001; TOPMed below 0.00001; gnomAD 0.00001; ExAC 0.00004; ESP Exome Variant Server 0.00008.
gnomAD v4.1: 6 of 1,613,008 alleles (0.00037%); highest among the groups gnomAD compares: Non-Finnish European, 0.00042%; no homozygotes.

Submission:

Labcorp Genetics (formerly Invitae), Labcorp
Classification: Uncertain significance. Last evaluated: 2022-07-30. Review status: criteria provided, single submitter. Criteria: Invitae Variant Classification Sherloc (09022015). Collection method: clinical testing. Allele origin: germline.
Comment: This variant has not been reported in the literature in individuals affected with MICAL1-related conditions. This variant is present in population databases (rs369162425, gnomAD 0.004%). This sequence change replaces lysine, which is basic and polar, with glutamic acid, which is acidic and polar, at codon 105 of the MICAL1 protein (p.Lys105Glu). Algorithms developed to predict the effect of missense changes on protein structure and function are either unavailable or do not agree on the potential impact of this missense change (SIFT: "Deleterious"; PolyPhen-2: "Possibly Damaging"; Align-GVGD: "Class C0"). In summary, the available evidence is currently insufficient to determine the role of this variant in disease. Therefore, it has been classified as a Variant of Uncertain Significance.